The following is an entry in ClinVar:

NM_000330.4:c.203C>G

Genes: CDKL5 (cyclin dependent kinase like 5; plus strand), RS1 (retinoschisin 1; minus strand). Cytogenetic location: Xp22.13.
Variant type: single nucleotide variant.
Molecular consequence: missense variant (on NM_000330.4). On other transcripts: intron variant (2).
Genome position: GRCh38 VCF-style: chrX-18647314-G-C. GRCh37 (hg19) VCF-style: chrX-18665434-G-C.
Other names: NM_000330.4(RS1):c.203C>G (p.Pro68Arg); c.203C>G, p.Pro68Arg (NM_000330.4); c.2797+1224G>C (NM_003159.3, NM_001037343.2); short protein forms P68R.
Identifiers: ClinVar variation 3899906 (VCV003899906.3).

ClinVar aggregate classification (germline): Uncertain significance. Review status: reviewed by expert panel (3 of 4 stars). 3 submissions from 3 submitters: Uncertain significance (1). 2 of the submissions do not count toward it. Last evaluated 2025-05-19.

Conditions:
Juvenile retinoschisis (RS1). Also called: X-linked retinoschisis; X-Linked Juvenile Retinoschisis. Identifiers: Orphanet 792, MedGen C3714753, MONDO:0010725, OMIM 312700.
RS1-related disorder. Also called: RS1-related condition.

gnomAD v4.1: 1 of 1,211,080 alleles (0.000083%); highest among the groups gnomAD compares: Non-Finnish European, 0.00011%; no homozygotes.

Submissions (3):

ClinGen X-linked Inherited Retinal Disease Variant Curation Expert Panel, ClinGen
Classification: Uncertain significance for Juvenile retinoschisis. Last evaluated: 2025-05-19. Review status: reviewed by expert panel. Criteria: ClinGen X LinkedIRD ACMG Specifications RS1 V1.0.0. Collection method: curation. Allele origin: germline. Inheritance: X-linked inheritance.
Comment: The NM_000330.4(RS1):c.203C>G variant is a missense variant encoding the substitution of Proline with Arginine at amino acid 68. Amino acids 67-74 have been shown to interface with adjacent octamer subunits. This variant is absent from hemizygous individuals in gnomAD v4.1.0 (PM2_Supporting). The computational predictor REVEL gives a score of 0.942, which is above the ClinGen X-linked IRD VCEP threshold of >0.932 and predicts a damaging effect on RS1 function (PP3_strong). The computational splicing predictor SpliceAI gives a delta score of 0.0 for all predictive splice changes, which is below the ClinGen X-linked IRD VCEP threshold of >0.2 and does not predict that the variant disrupts RS1 splicing. This variant has been reported in at least 1 proband (PMID: 30551202). However, the number of individuals meeting the PS4 requirement of at least two males diagnosed with X-linked retinoschisis was not sufficient, so PS4_Supporting was not met. Sergeev et al. evaluated the atomic structures of 55 mutant proteins associated with X-linked retinoschisis, among them P68R, however the results are not shown (PMID: 20061330). In summary, this variant is classified as a variant of uncertain significance for X-linked retinoschisis based on the ClinGen X-linked Inherited Retinal Disease Expert Panel Specifications to the ACMG/AMP Variant Interpretation Guidelines for RS1 Version 1.0.0: PM2_supporting and PP3_strong (date of approval 01/24/2025).

Blueprint Genetics
Classification: Pathogenic for RS1-related disorders. Last evaluated: 2022-05-14. Review status: criteria provided, single submitter. Criteria: ACMG Guidelines, 2015. Collection method: clinical testing. Allele origin: germline. Affected: yes. Observed: 3 variant alleles. Not counted in ClinVar's aggregate classification.

Department of Ophthalmology, Shanghai Jiao Tong University School of Medicine, Shanghai General Hospital
Classification: Uncertain significance for Juvenile retinoschisis. Review status: criteria provided, single submitter. Criteria: ACMG Guidelines, 2015. Collection method: research. Allele origin: germline. Affected: yes. Not counted in ClinVar's aggregate classification.